The following is an entry in ClinVar:

ClinVar aggregate classification (germline): Uncertain significance (1 of 4 stars; one submission).

Conditions:
Anauxetic dysplasia. Identifiers: Orphanet 93347, MedGen C1846796, MONDO:0011773.

Allele frequency attached by ClinVar (database versions not stated): gnomAD 0.00001; TOPMed 0.00001.

Submission:

Labcorp Genetics (formerly Invitae), Labcorp
Classification: Uncertain significance for Anauxetic dysplasia. Last evaluated: 2022-08-19. Review status: criteria provided, single submitter. Criteria: Invitae Variant Classification Sherloc (09022015). Collection method: clinical testing. Allele origin: germline.
Comment: In summary, the available evidence is currently insufficient to determine the role of this variant in disease. Therefore, it has been classified as a Variant of Uncertain Significance. Experimental studies and prediction algorithms are not available or were not evaluated, and the functional significance of this variant is currently unknown. This variant occurs in the RMRP gene, which encodes an RNA molecule that does not result in a protein product. This variant has not been reported in the literature in individuals affected with RMRP-related conditions. This variant is not present in population databases (gnomAD no frequency).

NC_000009.12:g.35657669A>G

Gene: RMRP (RNA component of mitochondrial RNA processing endoribonuclease; minus strand). Cytogenetic location: 9p13.3.
Variant type: single nucleotide variant.
Genome position: GRCh38 VCF-style: chr9-35657669-A-G. GRCh37 (hg19) VCF-style: chr9-35657666-A-G.
Identifiers: ClinVar variation 1901974 (VCV001901974.4), dbSNP rs944727411, ClinGen allele CA192745503.
Genomic context (GRCh38, chr9:35,657,669, plus strand): 5'-TCCGTCTCTACAAAAAATACAAAAATTAGCCAGGCATGATGGCGTGCGCCTGCGGTCCCA[A>G]CTACTTGGGAGCCTGAGGTGAGGCATCGCGTGAGCCCGGGGAGGTCGAGGCTGCAGTGAG-3'